The following is an entry in ClinVar:

NM_005477.3(HCN4):c.71G>C (p.Trp24Ser)

Gene: HCN4 (hyperpolarization activated cyclic nucleotide gated potassium channel 4; minus strand). Cytogenetic location: 15q24.1.
Variant type: single nucleotide variant.
Coding change: c.71G>C on transcript NM_005477.3 (MANE Select); coding-DNA position 71, G replaced by C.
Protein change: p.Trp24Ser; replaces tryptophan 24 with serine.
Molecular consequence: missense variant.
Genome position (GRCh38, 1-based): chr15:73,368,200, C>G on the plus strand (G>C on the coding strand, the complement: HCN4 is on the minus strand). VCF-style: chr15-73368200-C-G. GRCh37 (hg19) VCF-style: chr15-73660541-C-G.
Other names: short protein forms W24S.
Identifiers: ClinVar variation 3857001 (VCV003857001.1).

ClinVar aggregate classification (germline): Uncertain significance (1 of 4 stars; one submission).

Conditions:
Cardiovascular phenotype. Identifiers: MedGen CN230736.

Submission:

Ambry Genetics
Classification: Uncertain significance for Cardiovascular phenotype. Last evaluated: 2025-03-13. Review status: criteria provided, single submitter. Criteria: Ambry Variant Classification Scheme 2023. Collection method: clinical testing. Allele origin: germline.
Comment: The p.W24S variant (also known as c.71G>C), located in coding exon 1 of the HCN4 gene, results from a G to C substitution at nucleotide position 71. The tryptophan at codon 24 is replaced by serine, an amino acid with highly dissimilar properties. This amino acid position is conserved. In addition, this alteration is predicted to be tolerated by in silico analysis. Based on the available evidence, the clinical significance of this variant remains unclear.